The following is an entry in ClinVar:

NM_003482.4(KMT2D):c.5393G>A (p.Ser1798Asn)

Gene: KMT2D (lysine methyltransferase 2D; minus strand). Cytogenetic location: 12q13.12.
Variant type: single nucleotide variant.
Coding change: c.5393G>A on transcript NM_003482.4 (MANE Select); coding-DNA position 5393, G replaced by A.
Protein change: p.Ser1798Asn; replaces serine 1798 with asparagine.
Molecular consequence: missense variant.
Genome position (GRCh38, 1-based): chr12:49,043,709, C>T on the plus strand (G>A on the coding strand, the complement: KMT2D is on the minus strand). VCF-style: chr12-49043709-C-T. GRCh37 (hg19) VCF-style: chr12-49437492-C-T.
Other names: short protein forms S1798N.
Identifiers: ClinVar variation 2767487 (VCV002767487.3), dbSNP rs2120572232, ClinGen allele CA384633312.

ClinVar aggregate classification (germline): Uncertain significance (1 of 4 stars; one submission).

Conditions:
Kabuki syndrome. Also called: NIIKAWA-KUROKI SYNDROME; Kabuki make-up syndrome. Identifiers: Orphanet 2322, MedGen C0796004, MONDO:0016512.

Allele frequency attached by ClinVar (database versions not stated): gnomAD exomes below 0.00001.
gnomAD v4.1: 2 of 1,614,024 alleles (0.00012%); highest among the groups gnomAD compares: South Asian, 0.0022%; no homozygotes.

Submission:

Labcorp Genetics (formerly Invitae), Labcorp
Classification: Uncertain significance for Kabuki syndrome. Last evaluated: 2023-10-10. Review status: criteria provided, single submitter. Criteria: Invitae Variant Classification Sherloc (09022015). Collection method: clinical testing. Allele origin: germline.
Comment: This sequence change replaces serine, which is neutral and polar, with asparagine, which is neutral and polar, at codon 1798 of the KMT2D protein (p.Ser1798Asn). This variant is not present in population databases (gnomAD no frequency). This variant has not been reported in the literature in individuals affected with KMT2D-related conditions. Advanced modeling of protein sequence and biophysical properties (such as structural, functional, and spatial information, amino acid conservation, physicochemical variation, residue mobility, and thermodynamic stability) performed at Invitae indicates that this missense variant is not expected to disrupt KMT2D protein function. In summary, the available evidence is currently insufficient to determine the role of this variant in disease. Therefore, it has been classified as a Variant of Uncertain Significance.